The following is an entry in ClinVar:

ClinVar aggregate classification (germline): Uncertain significance (1 of 4 stars; one submission).

Conditions:
Werner syndrome (WRN). Identifiers: Orphanet 902, MedGen C0043119, MONDO:0010196, OMIM 277700.

Submission:

Labcorp Genetics (formerly Invitae), Labcorp
Classification: Uncertain significance for Werner syndrome. Last evaluated: 2021-12-07. Review status: criteria provided, single submitter. Criteria: Invitae Variant Classification Sherloc (09022015). Collection method: clinical testing. Allele origin: germline.
Comment: Algorithms developed to predict the effect of sequence changes on RNA splicing suggest that this variant may create or strengthen a splice site. In summary, the available evidence is currently insufficient to determine the role of this variant in disease. Therefore, it has been classified as a Variant of Uncertain Significance. Algorithms developed to predict the effect of missense changes on protein structure and function are either unavailable or do not agree on the potential impact of this missense change (SIFT: "Not Available"; PolyPhen-2: "Probably Damaging"; Align-GVGD: "Not Available"). This sequence change replaces asparagine, which is neutral and polar, with lysine, which is basic and polar, at codon 1197 of the WRN protein (p.Asn1197Lys). This variant is not present in population databases (gnomAD no frequency). This variant has not been reported in the literature in individuals affected with WRN-related conditions. ClinVar contains an entry for this variant (Variation ID: 1036619).

NM_000553.6(WRN):c.3591C>G (p.Asn1197Lys)

Gene: WRN (WRN RecQ like helicase; plus strand). Cytogenetic location: 8p12.
Variant type: single nucleotide variant.
Coding change: c.3591C>G on transcript NM_000553.6 (MANE Select); coding-DNA position 3591, C replaced by G.
Protein change: p.Asn1197Lys; replaces asparagine 1197 with lysine.
Molecular consequence: missense variant.
Genome position (GRCh38, 1-based): chr8:31,150,359, C>G. VCF-style: chr8-31150359-C-G. GRCh37 (hg19) VCF-style: chr8-31007875-C-G.
Other names: short protein forms N1197K.
Identifiers: ClinVar variation 1036619 (VCV001036619.5), dbSNP rs151143960, ClinGen allele CA370927373.